The following is an entry in ClinVar:

NM_001277062.2(MFF):c.-40-888G>A

Gene: MFF (mitochondrial fission factor; plus strand). Cytogenetic location: 2q36.3.
Variant type: single nucleotide variant.
Coding change: c.-40-888G>A on transcript NM_001277062.2 (MANE Select); 888 bases into the intron before 40 bases upstream of the start codon, G replaced by A.
Molecular consequence: intron variant. On other transcripts: 5 prime UTR variant (3).
Genome position (GRCh38, 1-based): chr2:227,329,738, G>A. VCF-style: chr2-227329738-G-A. GRCh37 (hg19) VCF-style: chr2-228194454-G-A.
Other names: c.-40-888G>A (NM_001277065.2, NM_001277066.2, NM_001277068.1 and 2 more transcripts); c.-8G>A (NM_001277061.2, NM_020194.5); c.-81G>A (NM_001277067.1).
Identifiers: ClinVar variation 387060 (VCV000387060.2), dbSNP rs559680360, ClinGen allele CA2147722.

ClinVar aggregate classification (germline): Likely benign. Review status: criteria provided, multiple submitters, no conflicts (2 of 4 stars). 2 submissions from 2 submitters: Likely benign (2). Last evaluated 2016-07-20.

Allele frequency attached by ClinVar (database versions not stated): gnomAD below 0.00001 and 0.00007; TOPMed 0.00001; 1000 Genomes Project 30x 0.00016; gnomAD exomes 0.00019 and 0.00043; 1000 Genomes Project 0.00020; ExAC 0.00054.
gnomAD v4.1: 267 of 1,549,812 alleles (0.017%); highest among the groups gnomAD compares: South Asian, 0.28%; 4 homozygotes.

Submissions (2):

GeneDx
Classification: Likely benign. Last evaluated: 2016-07-20. Review status: criteria provided, single submitter. Criteria: GeneDx Variant Classification (06012015). Collection method: clinical testing. Allele origin: germline. Affected: yes.
Comment: This variant is considered likely benign or benign based on one or more of the following criteria: it is a conservative change, it occurs at a poorly conserved position in the protein, it is predicted to be benign by multiple in silico algorithms, and/or has population frequency not consistent with disease.

Breakthrough Genomics
Classification: Likely benign. Review status: criteria provided, single submitter. Criteria: ACMG Guidelines, 2015. Collection method: not provided. Allele origin: germline. Inheritance: Autosomal recessive inheritance. Affected: yes.